The following is an entry in ClinVar:

NM_032229.3(SLITRK6):c.1656C>A (p.Leu552=)

Gene: SLITRK6 (SLIT and NTRK like family member 6; minus strand). Cytogenetic location: 13q31.1.
Variant type: single nucleotide variant.
Coding change: c.1656C>A on transcript NM_032229.3 (MANE Select); coding-DNA position 1656, C replaced by A.
Protein change: p.Leu552=; no amino-acid change (leucine 552 retained).
Molecular consequence: synonymous variant.
Genome position (GRCh38, 1-based): chr13:85,794,853, G>T on the plus strand (C>A on the coding strand, the complement: SLITRK6 is on the minus strand). VCF-style: chr13-85794853-G-T. GRCh37 (hg19) VCF-style: chr13-86368988-G-T.
Identifiers: ClinVar variation 3036985 (VCV003036985.5), dbSNP rs372616753, ClinGen allele CA7015060.

ClinVar aggregate classification (germline): Benign/Likely benign. Review status: criteria provided, multiple submitters, no conflicts (2 of 4 stars). 3 submissions from 3 submitters: Benign (1); Likely benign (1). 1 of the submissions does not count toward it. Last evaluated 2025-12-25.

Conditions:
SLITRK6-related disorder. Also called: SLITRK6-related condition.

Allele frequency attached by ClinVar (database versions not stated): TOPMed 0.00006; gnomAD 0.00015; 1000 Genomes Project 30x 0.00031; 1000 Genomes Project 0.00040; ExAC 0.00056.
gnomAD v4.1: 321 of 1,612,988 alleles (0.02%); highest among the groups gnomAD compares: South Asian, 0.33%; 2 homozygotes.

Submissions (3):

Labcorp Genetics (formerly Invitae), Labcorp
Classification: Benign. Last evaluated: 2025-12-25. Review status: criteria provided, single submitter. Criteria: Invitae Variant Classification Sherloc (09022015). Collection method: clinical testing. Allele origin: germline.

Blueprint Genetics
Classification: Likely benign. Last evaluated: 2024-11-11. Review status: criteria provided, single submitter. Criteria: ACMG Guidelines, 2015. Collection method: clinical testing. Allele origin: germline.

PreventionGenetics, part of Exact Sciences
Classification: Likely benign for SLITRK6-related condition. Last evaluated: 2020-10-26. Review status: no assertion criteria provided. Collection method: clinical testing. Allele origin: germline. Not counted in ClinVar's aggregate classification.
Comment: This variant is classified as likely benign based on ACMG/AMP sequence variant interpretation guidelines (Richards et al. 2015 PMID: 25741868, with internal and published modifications).